The following is an entry in ClinVar:

NM_178857.6(RP1L1):c.610-668_639del

Gene: RP1L1 (RP1 like 1). Cytogenetic location: 8p23.1.
Variant type: Deletion.
Coding change: c.610-668_639del on transcript NM_178857.6 (MANE Select); 668 bases into the intron before coding-DNA position 610 through coding-DNA position 639, this stretch deleted.
Molecular consequence: splice acceptor variant.
Genome position: GRCh38: chr8:10,616,560-10,617,257. GRCh37 (hg19): chr8:10,474,070-10,474,767.
Identifiers: ClinVar variation 1994120 (VCV001994120.4), dbSNP rs2486306210, ClinGen allele CA2580078005.

ClinVar aggregate classification (germline): Uncertain significance (1 of 4 stars; one submission).

Submission:

Labcorp Genetics (formerly Invitae), Labcorp
Classification: Uncertain significance. Last evaluated: 2022-10-13. Review status: criteria provided, single submitter. Criteria: Invitae Variant Classification Sherloc (09022015). Collection method: clinical testing. Allele origin: germline.
Comment: In summary, the available evidence is currently insufficient to determine the role of this variant in disease. Therefore, it has been classified as a Variant of Uncertain Significance. This variant results in the deletion of part of exon 3 (c.610-668_639del) of the RP1L1 gene. It is expected to disrupt RNA splicing. Variants that disrupt the donor or acceptor splice site typically lead to a loss of protein function (PMID: 16199547), however the current clinical and genetic evidence is not sufficient to establish whether loss-of-function variants in RP1L1 cause disease. This variant is not present in population databases (gnomAD no frequency). This variant has not been reported in the literature in individuals affected with RP1L1-related conditions.

Literature cited by the submitters: PubMed 16199547.